The following is an entry in ClinVar:

ClinVar aggregate classification (germline): Uncertain significance (1 of 4 stars; one submission).

gnomAD v4.1: 1 of 1,605,010 alleles (0.000062%); highest among the groups gnomAD compares: Non-Finnish European, 0.000085%; no homozygotes.

Submission:

GeneDx
Classification: Uncertain significance. Last evaluated: 2025-01-30. Review status: criteria provided, single submitter. Criteria: GeneDx Variant Classification Process June 2021. Collection method: clinical testing. Allele origin: germline. Affected: yes.
Comment: Not observed at significant frequency in large population cohorts (gnomAD); In silico analysis indicates that this missense variant does not alter protein structure/function; Has not been previously published as pathogenic or benign to our knowledge

NM_198503.5(KCNT2):c.484C>G (p.Leu162Val)

Gene: KCNT2 (potassium sodium-activated channel subfamily T member 2; minus strand). Cytogenetic location: 1q31.3.
Variant type: single nucleotide variant.
Coding change: c.484C>G on transcript NM_198503.5 (MANE Select); coding-DNA position 484, C replaced by G.
Protein change: p.Leu162Val; replaces leucine 162 with valine.
Molecular consequence: missense variant. On other transcripts: non-coding transcript variant (2).
Genome position (GRCh38, 1-based): chr1:196,467,762, G>C on the plus strand (C>G on the coding strand, the complement: KCNT2 is on the minus strand). VCF-style: chr1-196467762-G-C. GRCh37 (hg19) VCF-style: chr1-196436892-G-C.
Other names: c.484C>G, p.Leu162Val (NM_001287819.3, NM_001287820.3); short protein forms L162V.
Identifiers: ClinVar variation 4072764 (VCV004072764.1).
Genomic context (GRCh38, chr1:196,467,762, plus strand): 5'-CAATCATATTTTCCAAGGCATGTTTGGCAAGCCAACAGTTCAGAAAGACTGGGACAAATA[G>C]ATTCCTTAAGGAAGGCCAGAATATCTGGAAAACAAAACAAAACAAAACTAGACTTTTATC-3'
Protein context (NP_940905.2, residues 152-172): ISIFWPSLRN[Leu162Val]FVPVFLNCWL